The following is an entry in ClinVar:

ClinVar aggregate classification (germline): Pathogenic/Likely pathogenic. Review status: criteria provided, multiple submitters, no conflicts (2 of 4 stars). 2 submissions from 2 submitters: Pathogenic (1); Likely pathogenic (1). Last evaluated 2025-11-07.

Conditions:
Roberts-SC phocomelia syndrome (RBS). Also called: Pseudothalidomide syndrome; Appelt-Gerken-Lenz syndrome; ESCO2 Spectrum Disorder; Hypomelia hypotrichosis facial hemangioma syndrome; LONG BONE DEFICIENCIES ASSOCIATED WITH CLEFT LIP-PALATE. Identifiers: Orphanet 3103, MedGen C0392475, MONDO:0100253, OMIM 268300.

Submissions (2):

Natera, Inc.
Classification: Likely pathogenic for Roberts syndrome. Last evaluated: 2025-11-07. Review status: criteria provided, single submitter. Criteria: Natera Variant Classification Schema (03/2026). Collection method: clinical testing. Allele origin: germline.
Comment: The c.1111_1112insT variant in ESCO2 is a frameshift variant predicted to shift the reading frame beginning at codon 371 and leads to a stop codon 32 codons downstream. This variant is expected to result in nonsense mediated decay, truncation, or a dysfunctional protein product. This variant is rare in the general population with a frequency below the threshold expected for the associated phenotype(s). Given the available evidence, this variant is classified as Likely Pathogenic.

Labcorp Genetics (formerly Invitae), Labcorp
Classification: Pathogenic. Last evaluated: 2021-09-01. Review status: criteria provided, single submitter. Criteria: Invitae Variant Classification Sherloc (09022015). Collection method: clinical testing. Allele origin: germline.
Comment: This sequence change creates a premature translational stop signal (p.Thr371Ilefs*32) in the ESCO2 gene. It is expected to result in an absent or disrupted protein product. Loss-of-function variants in ESCO2 are known to be pathogenic (PMID: 15821733, 16380922). This variant is not present in population databases (ExAC no frequency). This premature translational stop signal has been observed in individuals with Robert's syndrome (PMID: 18411254, 30590172). For these reasons, this variant has been classified as Pathogenic.

Literature cited by the submitters: PubMed 15821733 (cited by Labcorp Genetics (formerly Invitae), Labcorp); PubMed 16380922 (cited by Labcorp Genetics (formerly Invitae), Labcorp); PubMed 18411254 (cited by Labcorp Genetics (formerly Invitae), Labcorp); PubMed 30590172 (cited by Labcorp Genetics (formerly Invitae), Labcorp).

NM_001017420.3(ESCO2):c.1111_1112insT (p.Thr371fs)

Gene: ESCO2 (establishment of sister chromatid cohesion N-acetyltransferase 2; plus strand). Cytogenetic location: 8p21.1.
Variant type: Insertion.
Coding change: c.1111_1112insT on transcript NM_001017420.3 (MANE Select); coding-DNA positions 1111 to 1112, T inserted.
Protein change: p.Thr371fs; shifts the reading frame from threonine 371.
Molecular consequence: frameshift variant.
Genome position: GRCh38 VCF-style: chr8-27787982-A-AT. GRCh37 (hg19) VCF-style: chr8-27645499-A-AT.
Other names: c.1111_1112insT (NM_001017420.2); short protein forms T371fs.
Identifiers: ClinVar variation 1072877 (VCV001072877.3), dbSNP rs1554555716, ClinGen allele CA580676434.
Genomic context (GRCh38, chr8:27,787,982, plus strand): 5'-AACTTCATGAAACAGACCAATATCCAGAAAAATACTAATACCAGAGATACAAGTAAAAAA[A>AT]CAAAAGACCAGCTCATCATCGTGAGTAAATTCCAAACAAAGCTTCTCCTATCTAGCCCTT-3'